The following is an entry in ClinVar:

NM_000093.5(COL5A1):c.4358G>T (p.Gly1453Val)

Gene: COL5A1 (collagen type V alpha 1 chain; plus strand). Cytogenetic location: 9q34.3.
Variant type: single nucleotide variant.
Coding change: c.4358G>T on transcript NM_000093.5 (MANE Select); coding-DNA position 4358, G replaced by T.
Protein change: p.Gly1453Val; replaces glycine 1453 with valine.
Molecular consequence: missense variant.
Genome position (GRCh38, 1-based): chr9:134,818,867, G>T. VCF-style: chr9-134818867-G-T. GRCh37 (hg19) VCF-style: chr9-137710713-G-T.
Other names: c.4358G>T, p.Gly1453Val (NM_001278074.1); short protein forms G1453V.
Identifiers: ClinVar variation 640042 (VCV000640042.12), dbSNP rs1588587440, ClinGen allele CA375457395.
Genomic context (GRCh38, chr9:134,818,867, plus strand): 5'-CGGGGGACCAGCAACTCATGCAGAGCGTCTCTGTGTTTCAGGGAGAACAAGGTCTCCCAG[G>T]ATCCCCAGGCCCGGACGGTCCCCCCGGCCCCATGGTGAGTCACATTCCTCATGGTGAGCA-3'
Protein context (NP_000084.3, residues 1443-1463): PGPVGEQGLP[Gly1453Val]SPGPDGPPGP

ClinVar aggregate classification (germline): Uncertain significance (1 of 4 stars; one submission).

Conditions:
Ehlers-Danlos syndrome, classic type, 1 (EDSCL1). Also called: EDS I; EHLERS-DANLOS SYNDROME, GRAVIS TYPE; EHLERS-DANLOS SYNDROME, SEVERE CLASSIC TYPE; Ehlers-Danlos Syndrome, Classic Type, COL5A1-Related; Ehlers-Danlos syndrome, type 1. Identifiers: MedGen C0268335, MONDO:0019567, OMIM 130000.

Submission:

Labcorp Genetics (formerly Invitae), Labcorp
Classification: Uncertain significance for Ehlers-Danlos syndrome, classic type, 1. Last evaluated: 2019-02-22. Review status: criteria provided, single submitter. Criteria: Invitae Variant Classification Sherloc (09022015). Collection method: clinical testing. Allele origin: germline.
Comment: Algorithms developed to predict the effect of missense changes on protein structure and function are either unavailable or do not agree on the potential impact of this missense change (SIFT: "Deleterious"; PolyPhen-2: "Not Available"; Align-GVGD: "Class C0"). This variant has not been reported in the literature in individuals with COL5A1-related conditions. This variant is not present in population databases (ExAC no frequency). This sequence change replaces glycine with valine at codon 1453 of the COL5A1 protein (p.Gly1453Val). The glycine residue is highly conserved and there is a moderate physicochemical difference between glycine and valine. In summary, the available evidence is currently insufficient to determine the role of this variant in disease. Therefore, it has been classified as a Variant of Uncertain Significance. Glycine residues within the Gly-Xaa-Yaa repeats of the triple helix domain are required for the structure and stability of fibrillar collagens (PMID: 7695699, 8218237, 19344236), and missense variants at these glycine residues in COL5A1 are more frequently observed in individuals with disease than in the general population (PMID: 22696272, 23587214). However, the clinical significance of this observation remains uncertain since only a limited number of affected individuals have been described to date.

Literature cited by the submitters: PubMed 7695699; PubMed 8218237; PubMed 19344236; PubMed 22696272; PubMed 23587214.